The following is an entry in ClinVar:

NM_001378414.1(HDAC4):c.2132C>T (p.Ala711Val)

Gene: HDAC4 (histone deacetylase 4; minus strand). Cytogenetic location: 2q37.3.
Variant type: single nucleotide variant.
Coding change: c.2132C>T on transcript NM_001378414.1 (MANE Select); coding-DNA position 2132, C replaced by T.
Protein change: p.Ala711Val; replaces alanine 711 with valine.
Molecular consequence: missense variant.
Genome position (GRCh38, 1-based): chr2:239,102,877, G>A on the plus strand (C>T on the coding strand, the complement: HDAC4 is on the minus strand). VCF-style: chr2-239102877-G-A. GRCh37 (hg19) VCF-style: chr2-240024573-G-A.
Other names: c.2132C>T, p.Ala711Val (NM_001378415.1); c.2117C>T, p.Ala706Val (NM_001378416.1, NM_001378417.1, NM_006037.4); short protein forms A706V, A711V.
Identifiers: ClinVar variation 3033328 (VCV003033328.2), dbSNP rs1052074289, ClinGen allele CA68021415.
Genomic context (GRCh38, chr2:239,102,877, plus strand): 5'-TTCGTGCCATACAGGAGGGTGTGGGCTTCCGAGTGCACCGTCTGTAGCTCCTCCAGGGTG[G>A]CCTTGCGTCCGCGGATGCACTGTGGGGACAGGCGAGAGGACACTCACACGTTCTGCAGAA-3'
Protein context (NP_001365343.1, residues 701-721): GKCECIRGRK[Ala711Val]TLEELQTVHS

ClinVar aggregate classification (germline): Uncertain significance (0 of 4 stars; one submission).

Conditions:
HDAC4-related disorder. Also called: HDAC4-related condition.

Allele frequency attached by ClinVar (database versions not stated): TOPMed 0.00002.

Submission:

PreventionGenetics, part of Exact Sciences
Classification: Uncertain significance for HDAC4-related condition. Last evaluated: 2023-12-11. Review status: no assertion criteria provided. Collection method: clinical testing. Allele origin: germline.
Comment: The HDAC4 c.2117C>T variant is predicted to result in the amino acid substitution p.Ala706Val. To our knowledge, this variant has not been reported in the literature or in a large population database, indicating this variant is rare. At this time, the clinical significance of this variant is uncertain due to the absence of conclusive functional and genetic evidence.